The following is an entry in ClinVar:

ClinVar aggregate classification (germline): Uncertain significance (1 of 4 stars; one submission).

Conditions:
Spastic paraplegia. Identifiers: MedGen C0037772, HP:0001258.

Submission:

Labcorp Genetics (formerly Invitae), Labcorp
Classification: Uncertain significance for Spastic paraplegia. Last evaluated: 2022-04-01. Review status: criteria provided, single submitter. Criteria: Invitae Variant Classification Sherloc (09022015). Collection method: clinical testing. Allele origin: germline.
Comment: This variant has not been reported in the literature in individuals affected with ZFYVE26-related conditions. This variant is not present in population databases (gnomAD no frequency). This sequence change replaces alanine, which is neutral and non-polar, with valine, which is neutral and non-polar, at codon 32 of the ZFYVE26 protein (p.Ala32Val). Algorithms developed to predict the effect of missense changes on protein structure and function are either unavailable or do not agree on the potential impact of this missense change (SIFT: "Tolerated"; PolyPhen-2: "Probably Damaging"; Align-GVGD: "Class C0"). In summary, the available evidence is currently insufficient to determine the role of this variant in disease. Therefore, it has been classified as a Variant of Uncertain Significance.

NM_015346.4(ZFYVE26):c.95C>T (p.Ala32Val)

Gene: ZFYVE26 (zinc finger FYVE-type containing 26; minus strand). Cytogenetic location: 14q24.1.
Variant type: single nucleotide variant.
Coding change: c.95C>T on transcript NM_015346.4 (MANE Select); coding-DNA position 95, C replaced by T.
Protein change: p.Ala32Val; replaces alanine 32 with valine.
Molecular consequence: missense variant.
Genome position (GRCh38, 1-based): chr14:67,815,869, G>A on the plus strand (C>T on the coding strand, the complement: ZFYVE26 is on the minus strand). VCF-style: chr14-67815869-G-A. GRCh37 (hg19) VCF-style: chr14-68282586-G-A.
Other names: short protein forms A32V.
Identifiers: ClinVar variation 2120667 (VCV002120667.2), dbSNP rs2502898006, ClinGen allele CA390164677.